The following is an entry in ClinVar:

NM_021072.4(HCN1):c.130G>C (p.Gly44Arg)

Gene: HCN1 (hyperpolarization activated cyclic nucleotide gated potassium channel 1; minus strand). Cytogenetic location: 5p12.
Variant type: single nucleotide variant.
Coding change: c.130G>C on transcript NM_021072.4 (MANE Select); coding-DNA position 130, G replaced by C.
Protein change: p.Gly44Arg; replaces glycine 44 with arginine.
Molecular consequence: missense variant.
Genome position (GRCh38, 1-based): chr5:45,695,964, C>G on the plus strand (G>C on the coding strand, the complement: HCN1 is on the minus strand). VCF-style: chr5-45695964-C-G. GRCh37 (hg19) VCF-style: chr5-45696066-C-G.
Other names: short protein forms G44R.
Identifiers: ClinVar variation 859951 (VCV000859951.10), dbSNP rs1421975269, ClinGen allele CA359706688.

ClinVar aggregate classification (germline): Uncertain significance (1 of 4 stars; one submission).

Conditions:
Early-infantile DEE. Also called: Ohtahara syndrome; Early infantile epileptic encephalopathy with suppression bursts; Early infantile epileptic encephalopathy. Identifiers: Orphanet 1934, MedGen C0393706, MONDO:0800491.

Allele frequency attached by ClinVar (database versions not stated): TOPMed 0.00001.
gnomAD v4.1: 34 of 1,324,930 alleles (0.0026%); highest among the groups gnomAD compares: Non-Finnish European, 0.0032%; no homozygotes.

Submission:

Labcorp Genetics (formerly Invitae), Labcorp
Classification: Uncertain significance for Early-infantile DEE. Last evaluated: 2025-12-01. Review status: criteria provided, single submitter. Criteria: Invitae Variant Classification Sherloc (09022015). Collection method: clinical testing. Allele origin: germline.
Comment: This sequence change replaces glycine, which is neutral and non-polar, with arginine, which is basic and polar, at codon 44 of the HCN1 protein (p.Gly44Arg). This variant is not present in population databases (gnomAD no frequency). This variant has not been reported in the literature in individuals affected with HCN1-related conditions. ClinVar contains an entry for this variant (Variation ID: 859951). Invitae Evidence Modeling of protein sequence and biophysical properties (such as structural, functional, and spatial information, amino acid conservation, physicochemical variation, residue mobility, and thermodynamic stability) indicates that this missense variant is not expected to disrupt HCN1 protein function with a negative predictive value of 95%. In summary, the available evidence is currently insufficient to determine the role of this variant in disease. Therefore, it has been classified as a Variant of Uncertain Significance.